The following is an entry in ClinVar:

ClinVar aggregate classification (germline): Uncertain significance (0 of 4 stars; one submission).

Conditions:
Prostate cancer. Also called: Malignant tumor of prostate. Identifiers: Orphanet 1331, MedGen C0376358, MONDO:0008315, HP:0012125.

Allele frequency attached by ClinVar (database versions not stated): gnomAD exomes below 0.00001; ExAC 0.00001.
gnomAD v4.1: 1 of 1,611,272 alleles (0.000062%); highest among the groups gnomAD compares: South Asian, 0.0011%; no homozygotes.

Submission:

Science for Life laboratory,  Karolinska Institutet
Classification: Uncertain significance for Malignant tumor of prostate. Review status: no assertion criteria provided. Collection method: not provided. Allele origin: somatic.
Comment: TumorID:SWE-2
ClinVar note: Converted during submission from Unknown to Uncertain significance.

NM_001910.4(CTSE):c.319G>A (p.Val107Met)

Gene: CTSE (cathepsin E; minus strand). Cytogenetic location: 1q32.1.
Variant type: single nucleotide variant.
Coding change: c.319G>A on transcript NM_001910.4 (MANE Select); coding-DNA position 319, G replaced by A.
Protein change: p.Val107Met; replaces valine 107 with methionine.
Molecular consequence: missense variant.
Genome position (GRCh38, 1-based): chr1:206,022,174, C>T on the plus strand (G>A on the coding strand, the complement: CTSE is on the minus strand). VCF-style: chr1-206022174-C-T. GRCh37 (hg19) VCF-style: chr1-206319194-G-A.
Other names: c.94G>A, p.Val32Met (NM_001317331.2); c.319G>A, p.Val107Met (NM_148964.3); short protein forms V107M, V32M.
Identifiers: ClinVar variation 161586 (VCV000161586.2), dbSNP rs193920960, ClinGen allele CA174399.
Genomic context (GRCh38, chr1:206,022,174, plus strand): 5'-CAGACATTCTCTGCTGGTGCTCCTGGCCCCACTTACTGCAGGCTGGGCTAGTGCAGTACA[C>T]AGAGGGGACCCAGAGGTTGGAGGAGCCAGTGTCGAAGATGACAGTGAAGTTCTGTGGTGG-3'
Protein context (NP_001901.1, residues 97-117): TGSSNLWVPS[Val107Met]YCTSPACKTH